The following is an entry in ClinVar:

ClinVar aggregate classification (germline): Uncertain significance (1 of 4 stars; one submission).

Allele frequency attached by ClinVar (database versions not stated): gnomAD exomes below 0.00001; ExAC 0.00001; TOPMed 0.00001; gnomAD 0.00002.
gnomAD v4.1: 5 of 1,614,038 alleles (0.00031%); highest among the groups gnomAD compares: East Asian, 0.0022%; no homozygotes.

Submission:

Labcorp Genetics (formerly Invitae), Labcorp
Classification: Uncertain significance. Last evaluated: 2024-01-29. Review status: criteria provided, single submitter. Criteria: Invitae Variant Classification Sherloc (09022015). Collection method: clinical testing. Allele origin: germline.
Comment: This sequence change replaces tryptophan, which is neutral and slightly polar, with arginine, which is basic and polar, at codon 459 of the C1S protein (p.Trp459Arg). This variant is present in population databases (rs782308566, gnomAD 0.006%). This variant has not been reported in the literature in individuals affected with C1S-related conditions. Advanced modeling of protein sequence and biophysical properties (such as structural, functional, and spatial information, amino acid conservation, physicochemical variation, residue mobility, and thermodynamic stability) performed at Invitae indicates that this missense variant is not expected to disrupt C1S protein function with a negative predictive value of 80%. In summary, the available evidence is currently insufficient to determine the role of this variant in disease. Therefore, it has been classified as a Variant of Uncertain Significance.

NM_001734.5(C1S):c.1375T>C (p.Trp459Arg)

Gene: C1S (complement C1s; plus strand). Cytogenetic location: 12p13.31.
Variant type: single nucleotide variant.
Coding change: c.1375T>C on transcript NM_001734.5 (MANE Select); coding-DNA position 1375, T replaced by C.
Protein change: p.Trp459Arg; replaces tryptophan 459 with arginine.
Molecular consequence: missense variant.
Genome position (GRCh38, 1-based): chr12:7,069,959, T>C. VCF-style: chr12-7069959-T-C. GRCh37 (hg19) VCF-style: chr12-7177263-T-C.
Other names: c.874T>C, p.Trp292Arg (NM_001346850.2); c.1375T>C, p.Trp459Arg (NM_201442.4); short protein forms W292R, W459R.
Identifiers: ClinVar variation 2985075 (VCV002985075.3), dbSNP rs782308566, ClinGen allele CA6423779.